The following is an entry in ClinVar:

NM_006514.4(SCN10A):c.767G>C (p.Cys256Ser)

Gene: SCN10A (sodium voltage-gated channel alpha subunit 10; minus strand). Cytogenetic location: 3p22.2.
Variant type: single nucleotide variant.
Coding change: c.767G>C on transcript NM_006514.4 (MANE Select); coding-DNA position 767, G replaced by C.
Protein change: p.Cys256Ser; replaces cysteine 256 with serine.
Molecular consequence: missense variant.
Genome position (GRCh38, 1-based): chr3:38,761,308, C>G on the plus strand (G>C on the coding strand, the complement: SCN10A is on the minus strand). VCF-style: chr3-38761308-C-G. GRCh37 (hg19) VCF-style: chr3-38802799-C-G.
Other names: c.767G>C, p.Cys256Ser (NM_001293306.2, NM_001293307.2); short protein forms C256S.
Identifiers: ClinVar variation 1760112 (VCV001760112.2), dbSNP rs1310798272, ClinGen allele CA352171716.

ClinVar aggregate classification (germline): Uncertain significance (1 of 4 stars; one submission).

Conditions:
Cardiovascular phenotype. Identifiers: MedGen CN230736.

Allele frequency attached by ClinVar (database versions not stated): gnomAD 0.00001; TOPMed 0.00001.
gnomAD v4.1: 3 of 1,613,886 alleles (0.00019%); highest among the groups gnomAD compares: East Asian, 0.0067%; no homozygotes.

Submission:

Ambry Genetics
Classification: Uncertain significance for Cardiovascular phenotype. Last evaluated: 2022-02-07. Review status: criteria provided, single submitter. Criteria: Ambry Variant Classification Scheme 2023. Collection method: clinical testing. Allele origin: germline.
Comment: The p.C256S variant (also known as c.767G>C), located in coding exon 6 of the SCN10A gene, results from a G to C substitution at nucleotide position 767. The cysteine at codon 256 is replaced by serine, an amino acid with dissimilar properties. This amino acid position is conserved. In addition, this alteration is predicted to be deleterious by in silico analysis. Since supporting evidence is limited at this time, the clinical significance of this alteration remains unclear.